The following is an entry in ClinVar:

NM_007294.4(BRCA1):c.5407-13C>A

Gene: BRCA1 (BRCA1 DNA repair associated; minus strand). Cytogenetic location: 17q21.31.
Variant type: single nucleotide variant.
Coding change: c.5407-13C>A on transcript NM_007294.4 (MANE Select); 13 bases into the intron before coding-DNA position 5407, C replaced by A.
Molecular consequence: intron variant.
Genome position (GRCh38, 1-based): chr17:43,047,716, G>T on the plus strand (C>A on the coding strand, the complement: BRCA1 is on the minus strand). VCF-style: chr17-43047716-G-T. GRCh37 (hg19) VCF-style: chr17-41199733-G-T.
Other names: c.5260-13C>A (NM_001407845.1, NM_001407852.1, NM_001407853.1 and 12 more transcripts); c.5263-13C>A (NM_001407744.1, NM_001407750.1, NM_001407732.1 and 18 more transcripts); c.1834-13C>A (NM_001408496.1, NM_001408499.1, NM_001408498.1 and 3 more transcripts); c.5140-13C>A (NM_001407929.1, NM_001407930.1, NM_001407933.1 and 4 more transcripts); c.5143-13C>A (NM_001407924.1, NM_001407920.1, NM_001407923.1 and 4 more transcripts); c.1954-13C>A (NM_001408460.1, NM_001408465.1, NM_001408463.1 and 7 more transcripts); c.1957-13C>A (NM_001408454.1, NM_001408456.1, NM_001408453.1 and 3 more transcripts); c.5266-13C>A (NM_001407698.1, NM_001407694.1, NM_001407696.1 and 12 more transcripts); and 83 more.
Identifiers: ClinVar variation 865730 (VCV000865730.10), dbSNP rs761772657, ClinGen allele CA054908.

ClinVar aggregate classification (germline): Conflicting classifications of pathogenicity. Review status: criteria provided, conflicting classifications (1 of 4 stars). 2 submissions from 2 submitters: Uncertain significance (1); Likely benign (1). Last evaluated 2024-07-26.

Conditions:
Hereditary breast ovarian cancer syndrome. Also called: Hereditary breast and/or ovarian cancer syndrome; BRCA1- and BRCA2-Associated Hereditary Breast and Ovarian Cancer; Hereditary breast and ovarian cancer syndrome; Hereditary breast and ovarian cancer; Hereditary breast and ovarian cancer syndrome (HBOC); Breast and ovarian cancer. Identifiers: Orphanet 145, MedGen C0677776, MeSH D061325, MONDO:0003582. Disease mechanism: loss of function.
Hereditary cancer-predisposing syndrome. Also called: Tumor predisposition; Hereditary Cancer Syndrome; Hereditary neoplastic syndrome; Neoplastic Syndromes, Hereditary. Identifiers: Orphanet 140162, MedGen C0027672, MeSH D009386, MONDO:0015356.

Allele frequency attached by ClinVar (database versions not stated): ExAC 0.00001.

Submissions (3):

Labcorp Genetics (formerly Invitae), Labcorp
Classification: Likely benign for Hereditary breast ovarian cancer syndrome. Last evaluated: 2024-07-26. Review status: criteria provided, single submitter. Criteria: Invitae Variant Classification Sherloc (09022015). Collection method: clinical testing. Allele origin: germline.

Color Diagnostics, LLC DBA Color Health
Classification: Uncertain significance for Hereditary cancer-predisposing syndrome. Last evaluated: 2019-02-06. Review status: criteria provided, single submitter. Criteria: ACMG Guidelines, 2015. Collection method: clinical testing. Allele origin: germline.

Brotman Baty Institute, University of Washington
No classification provided (evidence only). Condition: Breast-ovarian cancer, familial 1. Review status: no classification provided. Collection method: in vitro. Allele origin: not applicable. Functional consequence: functionally_normal. Not counted in ClinVar's aggregate classification.
ClinVar note: "not provided" was previously submitted as the classification for the variant. However, the classification appeared to be based only on an observation of functional data so it was converted to no classification on 2025-07-30.